The following is an entry in ClinVar:

NM_032119.4(ADGRV1):c.12697A>G (p.Ser4233Gly)

Gene: ADGRV1 (adhesion G protein-coupled receptor V1; plus strand). Cytogenetic location: 5q14.3.
Variant type: single nucleotide variant.
Coding change: c.12697A>G on transcript NM_032119.4 (MANE Select); coding-DNA position 12697, A replaced by G.
Protein change: p.Ser4233Gly; replaces serine 4233 with glycine.
Molecular consequence: missense variant. On other transcripts: non-coding transcript variant (1).
Genome position (GRCh38, 1-based): chr5:90,778,457, A>G. VCF-style: chr5-90778457-A-G. GRCh37 (hg19) VCF-style: chr5-90074274-A-G.
Other names: c.12697A>G (NM_032119.3); short protein forms S4233G.
Identifiers: ClinVar variation 1356252 (VCV001356252.9), dbSNP rs770802961, ClinGen allele CA360387774.

ClinVar aggregate classification (germline): Uncertain significance. Review status: criteria provided, multiple submitters, no conflicts (2 of 4 stars). 2 submissions from 2 submitters: Uncertain significance (2). Last evaluated 2025-11-24.

Conditions:
Inborn genetic diseases. Identifiers: MedGen C0950123, MeSH D030342.

gnomAD v4.1: 7 of 1,612,810 alleles (0.00043%); highest among the groups gnomAD compares: Admixed American, 0.01%; no homozygotes.

Submissions (2):

Ambry Genetics
Classification: Uncertain significance for Inborn genetic diseases. Last evaluated: 2025-11-24. Review status: criteria provided, single submitter. Criteria: Ambry Variant Classification Scheme 2023. Collection method: clinical testing. Allele origin: germline.

Labcorp Genetics (formerly Invitae), Labcorp
Classification: Uncertain significance. Last evaluated: 2021-05-26. Review status: criteria provided, single submitter. Criteria: Invitae Variant Classification Sherloc (09022015). Collection method: clinical testing. Allele origin: germline.
Comment: In summary, the available evidence is currently insufficient to determine the role of this variant in disease. Therefore, it has been classified as a Variant of Uncertain Significance. Algorithms developed to predict the effect of missense changes on protein structure and function (SIFT, PolyPhen-2, Align-GVGD) all suggest that this variant is likely to be tolerated, but these predictions have not been confirmed by published functional studies and their clinical significance is uncertain. This variant has been observed in individual(s) with retinitis pigmentosa (Invitae). This variant is not present in population databases (ExAC no frequency). This sequence change replaces serine with glycine at codon 4233 of the ADGRV1 protein (p.Ser4233Gly). The serine residue is weakly conserved and there is a small physicochemical difference between serine and glycine.